The following is an entry in ClinVar:

ClinVar aggregate classification (germline): Uncertain significance (1 of 4 stars; one submission).

gnomAD v4.1: 2 of 1,614,040 alleles (0.00012%); highest among the groups gnomAD compares: South Asian, 0.0022%; no homozygotes.

Submission:

CeGaT Center for Human Genetics Tuebingen
Classification: Uncertain significance. Last evaluated: 2026-02-01. Review status: criteria provided, single submitter. Criteria: CeGaT Center For Human Genetics Tuebingen Variant Classification Criteria Version 2. Collection method: clinical testing. Allele origin: germline. Affected: yes. Observed: 1 variant allele.
Comment: CDH2: PP2

NM_001792.5(CDH2):c.515C>T (p.Ser172Phe)

Gene: CDH2 (cadherin 2; minus strand). Cytogenetic location: 18q12.1.
Variant type: single nucleotide variant.
Coding change: c.515C>T on transcript NM_001792.5 (MANE Select); coding-DNA position 515, C replaced by T.
Protein change: p.Ser172Phe; replaces serine 172 with phenylalanine.
Molecular consequence: missense variant.
Genome position (GRCh38, 1-based): chr18:28,011,877, G>A on the plus strand (C>T on the coding strand, the complement: CDH2 is on the minus strand). VCF-style: chr18-28011877-G-A. GRCh37 (hg19) VCF-style: chr18-25591841-G-A.
Other names: c.422C>T, p.Ser141Phe (NM_001308176.2); short protein forms S141F, S172F.
Identifiers: ClinVar variation 4823360 (VCV004823360.4).